The following is an entry in ClinVar:

ClinVar aggregate classification (germline): Uncertain significance (1 of 4 stars; one submission).

Conditions:
Hereditary spastic paraplegia 28. Also called: Spastic paraplegia 28, autosomal recessive. Identifiers: Orphanet 101008, MedGen C1836295, MONDO:0012256, OMIM 609340.

Submission:

Labcorp Genetics (formerly Invitae), Labcorp
Classification: Uncertain significance for Hereditary spastic paraplegia 28. Last evaluated: 2022-03-26. Review status: criteria provided, single submitter. Criteria: Invitae Variant Classification Sherloc (09022015). Collection method: clinical testing. Allele origin: germline.
Comment: This sequence change replaces isoleucine, which is neutral and non-polar, with valine, which is neutral and non-polar, at codon 284 of the DDHD1 protein (p.Ile284Val). In summary, the available evidence is currently insufficient to determine the role of this variant in disease. Therefore, it has been classified as a Variant of Uncertain Significance. Algorithms developed to predict the effect of missense changes on protein structure and function are either unavailable or do not agree on the potential impact of this missense change (SIFT: "Tolerated"; PolyPhen-2: "Possibly Damaging"; Align-GVGD: "Class C0"). This variant has not been reported in the literature in individuals affected with DDHD1-related conditions. This variant is not present in population databases (gnomAD no frequency).

NM_001160148.2(DDHD1):c.850A>G (p.Ile284Val)

Gene: DDHD1 (DDHD domain containing 1; minus strand). Cytogenetic location: 14q22.1.
Variant type: single nucleotide variant.
Coding change: c.850A>G on transcript NM_001160148.2 (MANE Select); coding-DNA position 850, A replaced by G.
Protein change: p.Ile284Val; replaces isoleucine 284 with valine.
Molecular consequence: missense variant.
Genome position (GRCh38, 1-based): chr14:53,103,845, T>C on the plus strand (A>G on the coding strand, the complement: DDHD1 is on the minus strand). VCF-style: chr14-53103845-T-C. GRCh37 (hg19) VCF-style: chr14-53570563-T-C.
Other names: c.850A>G, p.Ile284Val (NM_001160147.2, NM_030637.3); short protein forms I284V.
Identifiers: ClinVar variation 2102888 (VCV002102888.4), dbSNP rs371584872, ClinGen allele CA389771489.